The following is an entry in ClinVar:

NM_015697.9(COQ2):c.35G>T (p.Gly12Val)

Genes: COQ2 (coenzyme Q2, polyprenyltransferase; minus strand), LOC112997540 (Sharpr-MPRA regulatory region 13773; plus strand). Cytogenetic location: 4q21.23.
Variant type: single nucleotide variant.
Coding change: c.35G>T on transcript NM_015697.9; coding-DNA position 35, G replaced by T.
Protein change: p.Gly12Val; replaces glycine 12 with valine.
Molecular consequence: missense variant.
Genome position (GRCh38, 1-based): chr4:83,284,880, C>A on the plus strand (G>T on the coding strand, the complement: COQ2 is on the minus strand). VCF-style: chr4-83284880-C-A. GRCh37 (hg19) VCF-style: chr4-84206033-C-A.
Other names: short protein forms G12V.
Identifiers: ClinVar variation 5000756 (VCV005000756.1).

ClinVar aggregate classification (germline): Uncertain significance (1 of 4 stars; one submission).

Conditions:
COQ2-related disorder. Also called: COQ2-related condition.

Submission:

PreventionGenetics, part of Exact Sciences
Classification: Uncertain significance for COQ2-related condition. Last evaluated: 2025-01-27. Review status: criteria provided, single submitter. Criteria: ACMG Guidelines, 2015. Collection method: clinical testing. Allele origin: germline.
Comment: The COQ2 c.35G>T variant is predicted to result in the amino acid substitution p.Gly12Val. To our knowledge, this variant has not been reported in the literature. This variant is reported in 0.0065% of alleles in individuals of European (Non-Finnish) descent in gnomAD. At this time, the clinical significance of this variant is uncertain due to the absence of conclusive functional and genetic evidence.